The following is an entry in ClinVar:

ClinVar aggregate classification (germline): Uncertain significance (1 of 4 stars; one submission).

Conditions:
Cardiovascular phenotype. Identifiers: MedGen CN230736.

Allele frequency attached by ClinVar (database versions not stated): gnomAD exomes below 0.00001; gnomAD 0.00001; TOPMed 0.00001.
gnomAD v4.1: 4 of 1,613,740 alleles (0.00025%); highest among the groups gnomAD compares: African/African-American, 0.0027%; no homozygotes.

Submission:

Ambry Genetics
Classification: Uncertain significance for Cardiovascular phenotype. Last evaluated: 2024-12-31. Review status: criteria provided, single submitter. Criteria: Ambry Variant Classification Scheme 2023. Collection method: clinical testing. Allele origin: germline.
Comment: The p.P582S variant (also known as c.1744C>T), located in coding exon 12 of the NEXN gene, results from a C to T substitution at nucleotide position 1744. The proline at codon 582 is replaced by serine, an amino acid with similar properties. This amino acid position is highly conserved in available vertebrate species. In addition, this alteration is predicted to be deleterious by in silico analysis. Since supporting evidence is limited at this time, the clinical significance of this alteration remains unclear.

NM_144573.4(NEXN):c.1744C>T (p.Pro582Ser)

Gene: NEXN (nexilin F-actin binding protein; plus strand). Cytogenetic location: 1p31.1.
Variant type: single nucleotide variant.
Coding change: c.1744C>T on transcript NM_144573.4 (MANE Select); coding-DNA position 1744, C replaced by T.
Protein change: p.Pro582Ser; replaces proline 582 with serine.
Molecular consequence: missense variant.
Genome position (GRCh38, 1-based): chr1:77,942,545, C>T. VCF-style: chr1-77942545-C-T. GRCh37 (hg19) VCF-style: chr1-78408230-C-T.
Other names: c.1552C>T, p.Pro518Ser (NM_001172309.2); short protein forms P518S, P582S.
Identifiers: ClinVar variation 1779255 (VCV001779255.4), dbSNP rs1271574918, ClinGen allele CA340882287.